The following is an entry in ClinVar:

ClinVar aggregate classification (germline): Conflicting classifications of pathogenicity. Review status: criteria provided, conflicting classifications (1 of 4 stars). 2 submissions from 2 submitters: Uncertain significance (1); Likely benign (1). Last evaluated 2026-01-24.

Conditions:
Hypertrophic cardiomyopathy. Also called: HYPERTROPHIC MYOCARDIOPATHY. Identifiers: Orphanet 217569, MedGen C0007194, MeSH D002312, MONDO:0005045, HP:0001639.

Allele frequency attached by ClinVar (database versions not stated): ExAC 0.00004; gnomAD exomes 0.00004 and 0.00006; gnomAD 0.00005; TOPMed 0.00005.
gnomAD v4.1: 69 of 1,613,808 alleles (0.0043%); highest among the groups gnomAD compares: Non-Finnish European, 0.0051%; no homozygotes.

Submissions (2):

Labcorp Genetics (formerly Invitae), Labcorp
Classification: Uncertain significance for Hypertrophic cardiomyopathy. Last evaluated: 2026-01-24. Review status: criteria provided, single submitter. Criteria: Invitae Variant Classification Sherloc (09022015). Collection method: clinical testing. Allele origin: germline.
Comment: This sequence change replaces valine, which is neutral and non-polar, with methionine, which is neutral and non-polar, at codon 861 of the MYOM1 protein (p.Val861Met). This variant is present in population databases (rs537504476, gnomAD 0.01%). This variant has not been reported in the literature in individuals affected with MYOM1-related conditions. ClinVar contains an entry for this variant (Variation ID: 577157). An algorithm developed to predict the effect of missense changes on protein structure and function outputs the following: PolyPhen-2: "Benign". The methionine amino acid residue is found in multiple mammalian species, which suggests that this missense change does not adversely affect protein function. In summary, the available evidence is currently insufficient to determine the role of this variant in disease. Therefore, it has been classified as a Variant of Uncertain Significance.

Ambry Genetics
Classification: Likely benign. Last evaluated: 2022-05-14. Review status: criteria provided, single submitter. Criteria: Ambry Variant Classification Scheme 2023. Collection method: clinical testing. Allele origin: germline.

NM_003803.4(MYOM1):c.2581G>A (p.Val861Met)

Gene: MYOM1 (myomesin 1; minus strand). Cytogenetic location: 18p11.31.
Variant type: single nucleotide variant.
Coding change: c.2581G>A on transcript NM_003803.4 (MANE Select); coding-DNA position 2581, G replaced by A.
Protein change: p.Val861Met; replaces valine 861 with methionine.
Molecular consequence: missense variant. On other transcripts: intron variant (1).
Genome position (GRCh38, 1-based): chr18:3,129,445, C>T on the plus strand (G>A on the coding strand, the complement: MYOM1 is on the minus strand). VCF-style: chr18-3129445-C-T. GRCh37 (hg19) VCF-style: chr18-3129443-C-T.
Other names: c.2506+1930G>A (NM_019856.2); short protein forms V861M.
Identifiers: ClinVar variation 577157 (VCV000577157.12), dbSNP rs537504476, ClinGen allele CA8874573.